The following is an entry in ClinVar:

NM_002900.3(RBP3):c.3125T>C (p.Ile1042Thr)

Gene: RBP3 (retinol binding protein 3; plus strand). Cytogenetic location: 10q11.22.
Variant type: single nucleotide variant.
Coding change: c.3125T>C on transcript NM_002900.3 (MANE Select); coding-DNA position 3125, T replaced by C.
Protein change: p.Ile1042Thr; replaces isoleucine 1042 with threonine.
Molecular consequence: missense variant.
Genome position (GRCh38, 1-based): chr10:47,353,395, T>C. VCF-style: chr10-47353395-T-C. GRCh37 (hg19) VCF-style: chr10-48385967-A-G.
Other names: short protein forms I1042T.
Identifiers: ClinVar variation 2106175 (VCV002106175.4), dbSNP rs143900547, ClinGen allele CA376676430.

ClinVar aggregate classification (germline): Uncertain significance (1 of 4 stars; one submission).

Allele frequency attached by ClinVar (database versions not stated): gnomAD exomes below 0.00001; gnomAD 0.00001; TOPMed 0.00002; ESP Exome Variant Server 0.00008.

Submission:

Labcorp Genetics (formerly Invitae), Labcorp
Classification: Uncertain significance. Last evaluated: 2022-05-04. Review status: criteria provided, single submitter. Criteria: Invitae Variant Classification Sherloc (09022015). Collection method: clinical testing. Allele origin: germline.
Comment: This variant has not been reported in the literature in individuals affected with RBP3-related conditions. In summary, the available evidence is currently insufficient to determine the role of this variant in disease. Therefore, it has been classified as a Variant of Uncertain Significance. Algorithms developed to predict the effect of missense changes on protein structure and function are either unavailable or do not agree on the potential impact of this missense change (SIFT: "Deleterious"; PolyPhen-2: "Benign"; Align-GVGD: "Class C25"). This variant is present in population databases (rs143900547, gnomAD 0.007%). This sequence change replaces isoleucine, which is neutral and non-polar, with threonine, which is neutral and polar, at codon 1042 of the RBP3 protein (p.Ile1042Thr).